The following is an entry in ClinVar:

NM_000027.4(AGA):c.698+1del

Gene: AGA (aspartylglucosaminidase; minus strand). Cytogenetic location: 4q34.3.
Variant type: Deletion.
Coding change: c.698+1del on transcript NM_000027.4 (MANE Select); the canonical splice donor site of the intron after coding-DNA position 698, one base deleted (G; older notation c.698+1delG).
Molecular consequence: splice donor variant. On other transcripts: intron variant (1).
Genome position (GRCh38, 1-based): chr4:177,436,275, C deleted on the plus strand (G on the coding strand, the reverse complement: AGA is on the minus strand); the first of 3 consecutive C bases (chr4:177,436,275-177,436,277); deleting any one gives the same sequence. VCF-style (leftmost placement, unchanged base first): chr4-177436274-AC-A. GRCh37 (hg19) VCF-style: chr4-178357428-AC-A.
Other names: c.676+23del (NM_001171988.2).
Identifiers: ClinVar variation 1075443 (VCV001075443.7), dbSNP rs2111013273, ClinGen allele CA2499217177.

ClinVar aggregate classification (germline): Pathogenic (1 of 4 stars; one submission).

Conditions:
Aspartylglucosaminuria (AGU). Also called: AGA DEFICIENCY; GLYCOASPARAGINASE; GLYCOSYLASPARAGINASE DEFICIENCY; Aspartylglucos-aminuria; Aspartylglucos-amidase (AGA) deficiency. Identifiers: Orphanet 93, MedGen C0268225, MONDO:0008830, OMIM 208400, HP:0012068.

Submission:

Labcorp Genetics (formerly Invitae), Labcorp
Classification: Pathogenic for Aspartylglucosaminuria. Last evaluated: 2020-03-08. Review status: criteria provided, single submitter. Criteria: Invitae Variant Classification Sherloc (09022015). Collection method: clinical testing. Allele origin: germline.
Comment: For these reasons, this variant has been classified as Pathogenic. Loss-of-function variants in AGA are known to be pathogenic (PMID: 7627186, 11309371). This variant has not been reported in the literature in individuals with AGA-related conditions. This variant is not present in population databases (ExAC no frequency). This sequence change creates a premature translational stop signal (p.Gly233Alafs*3) in the AGA gene. It is expected to result in an absent or disrupted protein product.

Literature cited by the submitters: PubMed 7627186; PubMed 11309371.